The following is an entry in ClinVar:

NM_000203.5(IDUA):c.1082del (p.Ala361fs)

Gene: IDUA (alpha-L-iduronidase; plus strand). Cytogenetic location: 4p16.3.
Variant type: Deletion.
Coding change: c.1082del on transcript NM_000203.5 (MANE Select); coding-DNA position 1082, one base deleted (C; older notation c.1082delC).
Protein change: p.Ala361fs; shifts the reading frame from alanine 361.
Molecular consequence: frameshift variant. On other transcripts: non-coding transcript variant (1).
Genome position (GRCh38, 1-based): chr4:1,002,378, C deleted. VCF-style (leftmost placement, unchanged base first): chr4-1002377-GC-G. GRCh37 (hg19) VCF-style: chr4-996165-GC-G.
Other names: NM_001363576.1:c.686del; c.686del, p.Ala229fs (NM_001363576.1); short protein forms A229fs, A361fs.
Identifiers: ClinVar variation 3775045 (VCV003775045.1).

ClinVar aggregate classification (germline): Likely pathogenic (3 of 4 stars; one submission).

Conditions:
Mucopolysaccharidosis type 1. Also called: IDUA deficiency; MPS I. Identifiers: Orphanet 579, MedGen C0023786, MONDO:0001586.

Submission:

ClinGen Lysosomal Storage Disorder Variant Curation Expert Panel
Classification: Likely pathogenic for Mucopolysaccharidosis type 1. Last evaluated: 2025-01-03. Review status: reviewed by expert panel. Criteria: ClinGen LSD ACMG Specifications IDUA V1.0.0. Collection method: curation. Allele origin: germline. Inheritance: Autosomal recessive inheritance.
Comment: The NM_000203.5:c.1082del (p.Ala361GlyfsTer79) variant in IDUA is a frameshift variant predicted to cause a premature stop codon in exon 9 out of 14 total exons, leading to nonsense mediated decay in a gene in which loss-of-function is an established disease mechanism (PVS1). This variant is absent in gnomAD v4.1.0. To our knowledge, this variant has not been reported in the literature in any individuals with mucopolysaccharidosis type 1. The classification of this variant has been upgraded from Variant of Uncertain Significance to Likely Pathogenic based on the recommendations of the ClinGen Sequence Variant Interpretation Working Group, that a variant meeting PVS1 and PM2_Supporting is classified as Likely Pathogenic. In summary, this variant meets the criteria to be classified as likely pathogenic for mucopolysaccharidosis type 1. IDUA-specific ACMG-AMP criteria applied, as specified by the ClinGen Lysosomal Diseases VCEP (Specifications Version 1.0.0): PVS1, PM2_Supporting. (Classification approved by the ClinGen Lysosomal Diseases Variant Curation Expert Panel on January 3, 2025)